The following is an entry in ClinVar:

ClinVar aggregate classification (germline): Benign/Likely benign. Review status: criteria provided, multiple submitters, no conflicts (2 of 4 stars). 8 submissions from 8 submitters: Benign (2); Likely benign (5). 1 of the submissions does not count toward it. Last evaluated 2026-01-27.

Conditions:
Distal hereditary motor neuropathy type 2. Identifiers: Orphanet 139525, MedGen C3711384, MeSH C580044, MONDO:0015352.
FBXO38-related disorder. Also called: FBXO38-related condition.

Allele frequency attached by ClinVar (database versions not stated): 1000 Genomes Project 0.00060; 1000 Genomes Project 30x 0.00094; gnomAD 0.00134; TOPMed 0.00135; ESP Exome Variant Server 0.00154.
gnomAD v4.1: 3,498 of 1,614,140 alleles (0.22%); highest among the groups gnomAD compares: Non-Finnish European, 0.27%; 10 homozygotes.

Submissions (8):

Labcorp Genetics (formerly Invitae), Labcorp
Classification: Likely benign for Distal hereditary motor neuropathy type 2. Last evaluated: 2026-01-27. Review status: criteria provided, single submitter. Criteria: Invitae Variant Classification Sherloc (09022015). Collection method: clinical testing. Allele origin: germline.

Blueprint Genetics
Classification: Likely benign. Last evaluated: 2024-11-26. Review status: criteria provided, single submitter. Criteria: ACMG Guidelines, 2015. Collection method: clinical testing. Allele origin: germline.

CeGaT Center for Human Genetics Tuebingen
Classification: Likely benign. Last evaluated: 2024-10-01. Review status: criteria provided, single submitter. Criteria: CeGaT Center For Human Genetics Tuebingen Variant Classification Criteria Version 2. Collection method: clinical testing. Allele origin: germline. Affected: yes. Observed: 2 variant alleles.
Comment: FBXO38: BP4, BS1

Mayo Clinic Laboratories, Mayo Clinic
Classification: Benign. Last evaluated: 2021-07-23. Review status: criteria provided, single submitter. Criteria: ACMG Guidelines, 2015. Collection method: clinical testing. Allele origin: germline. Observed: 3 variant alleles.
Comment: BS1, BS2, BP4

GeneDx
Classification: Benign. Last evaluated: 2021-07-19. Review status: criteria provided, single submitter. Criteria: GeneDx Variant Classification Process June 2021. Collection method: clinical testing. Allele origin: germline. Affected: yes.

Ambry Genetics
Classification: Likely benign. Last evaluated: 2020-04-14. Review status: criteria provided, single submitter. Criteria: Ambry Variant Classification Scheme 2023. Collection method: clinical testing. Allele origin: germline.

Breakthrough Genomics
Classification: Likely benign. Review status: criteria provided, single submitter. Criteria: ACMG Guidelines, 2015. Collection method: not provided. Allele origin: germline. Inheritance: Autosomal dominant inheritance. Affected: yes.

PreventionGenetics, part of Exact Sciences
Classification: Likely benign for FBXO38-related condition. Last evaluated: 2019-08-29. Review status: no assertion criteria provided. Collection method: clinical testing. Allele origin: germline. Not counted in ClinVar's aggregate classification.
Comment: This variant is classified as likely benign based on ACMG/AMP sequence variant interpretation guidelines (Richards et al. 2015 PMID: 25741868, with internal and published modifications).

NM_205836.3(FBXO38):c.2341C>T (p.Pro781Ser)

Gene: FBXO38 (F-box protein 38; plus strand). Cytogenetic location: 5q32.
Variant type: single nucleotide variant.
Coding change: c.2341C>T on transcript NM_205836.3 (MANE Select); coding-DNA position 2341, C replaced by T.
Protein change: p.Pro781Ser; replaces proline 781 with serine.
Molecular consequence: missense variant. On other transcripts: intron variant (1).
Genome position (GRCh38, 1-based): chr5:148,427,635, C>T. VCF-style: chr5-148427635-C-T. GRCh37 (hg19) VCF-style: chr5-147807198-C-T.
Other names: p.Pro781Ser; c.2341C>T, p.Pro781Ser (NM_030793.5); c.1918+1934C>T (NM_001271723.2); short protein forms P781S.
Identifiers: ClinVar variation 473954 (VCV000473954.43), dbSNP rs116266000, ClinGen allele CA3497498.